The following is an entry in ClinVar:

ClinVar aggregate classification (germline): Likely benign (0 of 4 stars; one submission).

Conditions:
NEDD4L-related disorder. Also called: NEDD4L-related condition.

Allele frequency attached by ClinVar (database versions not stated): TOPMed 0.00004; ExAC 0.00005; gnomAD 0.00005; gnomAD exomes 0.00005; ESP Exome Variant Server 0.00010.
gnomAD v4.1: 75 of 1,613,578 alleles (0.0046%); highest among the groups gnomAD compares: Non-Finnish European, 0.0059%; no homozygotes.

Submission:

PreventionGenetics, part of Exact Sciences
Classification: Likely benign for NEDD4L-related condition. Last evaluated: 2020-10-28. Review status: no assertion criteria provided. Collection method: clinical testing. Allele origin: germline.
Comment: This variant is classified as likely benign based on ACMG/AMP sequence variant interpretation guidelines (Richards et al. 2015 PMID: 25741868, with internal and published modifications).

NM_001144967.3(NEDD4L):c.1101T>C (p.Thr367=)

Gene: NEDD4L (NEDD4 like E3 ubiquitin protein ligase; plus strand). Cytogenetic location: 18q21.31.
Variant type: single nucleotide variant.
Coding change: c.1101T>C on transcript NM_001144967.3 (MANE Select); coding-DNA position 1101, T replaced by C.
Protein change: p.Thr367=; no amino-acid change (threonine 367 retained).
Molecular consequence: synonymous variant. On other transcripts: intron variant (5).
Genome position (GRCh38, 1-based): chr18:58,335,513, T>C. VCF-style: chr18-58335513-T-C. GRCh37 (hg19) VCF-style: chr18-56002745-T-C.
Other names: c.738T>C, p.Thr246= (NM_001144964.1, NM_001144965.2, NM_001144966.3); c.1077T>C, p.Thr359= (NM_001144968.2); c.1065+1621T>C (NM_015277.6, NM_001243960.2); c.702+1621T>C (NM_001144971.2, NM_001144970.3); c.1041+1621T>C (NM_001144969.2).
Identifiers: ClinVar variation 3032275 (VCV003032275.2), dbSNP rs201926686, ClinGen allele CA8975567.